The following is an entry in ClinVar:

ClinVar aggregate classification (germline): Uncertain significance. Review status: criteria provided, multiple submitters, no conflicts (2 of 4 stars). 5 submissions from 5 submitters: Uncertain significance (4). 1 of the submissions does not count toward it. Last evaluated 2026-04-21.

Conditions:
Inborn genetic diseases. Identifiers: MedGen C0950123, MeSH D030342.
Nephronophthisis. Also called: Juvenile Nephronophthisis. Identifiers: Orphanet 655, MedGen C0687120, MONDO:0019005, HP:0000090.
Meckel-Gruber syndrome. Also called: GRUBER SYNDROME; DYSENCEPHALIA SPLANCHNOCYSTICA; Dysencephalia splachnocystica. Identifiers: Orphanet 564, MedGen C0265215, MONDO:0018921.
Joubert syndrome. Also called: Familial aplasia of the vermis; JOUBERT-BOLTSHAUSER SYNDROME. Identifiers: Orphanet 475, MedGen C5979921, MONDO:0018772.
Leber congenital amaurosis (LCA). Also called: Leber's amaurosis. Identifiers: Orphanet 65, MedGen C0339527, MeSH D057130, MONDO:0018998.
CEP290-related disorder. Also called: CEP290-related condition; CEP290-related disorders. Identifiers: MedGen CN239314.
Joubert syndrome 5 (JBTS5). Identifiers: Orphanet 2318, MedGen C1857780, MONDO:0012432, OMIM 610188.
Meckel syndrome, type 4 (MKS4). Also called: MECKEL-GRUBER SYNDROME, TYPE 4. Identifiers: Orphanet 564, MedGen C1970161, MONDO:0012626, OMIM 611134.
Senior-Loken syndrome 6 (SLSN6). Identifiers: Orphanet 3156, MedGen C1857779, MONDO:0012433, OMIM 610189.
Leber congenital amaurosis 10 (LCA10). Identifiers: Orphanet 65, MedGen C1857821, MONDO:0012723, OMIM 611755.
Bardet-Biedl syndrome 14 (BBS14). Identifiers: Orphanet 110, MedGen C2673874, MONDO:0014442, OMIM 615991.

Allele frequency attached by ClinVar (database versions not stated): gnomAD 0.00001 and 0.00002; TOPMed 0.00008.
gnomAD v4.1: 7 of 1,576,016 alleles (0.00044%); highest among the groups gnomAD compares: Admixed American, 0.0037%; no homozygotes.

Submissions (5):

PreventionGenetics, part of Exact Sciences
Classification: Uncertain significance for CEP290-related condition. Last evaluated: 2026-04-21. Review status: criteria provided, single submitter. Criteria: ACMG Guidelines, 2015. Collection method: clinical testing. Allele origin: germline.
Comment: The CEP290 c.2060A>T variant is predicted to result in the amino acid substitution p.Glu687Val. To our knowledge, this variant has not been reported in the literature or in a large population database, indicating this variant is rare. At this time, the clinical significance of this variant is uncertain due to the absence of conclusive functional and genetic evidence.

Ambry Genetics
Classification: Uncertain significance for Inborn genetic diseases. Last evaluated: 2024-01-08. Review status: criteria provided, single submitter. Criteria: Ambry Variant Classification Scheme 2023. Collection method: clinical testing. Allele origin: germline.

Fulgent Genetics
Classification: Uncertain significance for Joubert syndrome 5; Senior-Loken syndrome 6; Meckel syndrome, type 4; Leber congenital amaurosis 10; Bardet-Biedl syndrome 14. Last evaluated: 2024-01-02. Review status: criteria provided, single submitter. Criteria: ACMG Guidelines, 2015. Collection method: clinical testing. Allele origin: germline.

Labcorp Genetics (formerly Invitae), Labcorp
Classification: Uncertain significance for Joubert syndrome; Meckel-Gruber syndrome; Nephronophthisis. Last evaluated: 2022-07-19. Review status: criteria provided, single submitter. Criteria: Invitae Variant Classification Sherloc (09022015). Collection method: clinical testing. Allele origin: germline.
Comment: This sequence change replaces glutamic acid, which is acidic and polar, with valine, which is neutral and non-polar, at codon 687 of the CEP290 protein (p.Glu687Val). This variant is not present in population databases (gnomAD no frequency). This variant has not been reported in the literature in individuals affected with CEP290-related conditions. ClinVar contains an entry for this variant (Variation ID: 841264). Algorithms developed to predict the effect of missense changes on protein structure and function are either unavailable or do not agree on the potential impact of this missense change (SIFT: "Deleterious"; PolyPhen-2: "Probably Damaging"; Align-GVGD: "Class C0"). In summary, the available evidence is currently insufficient to determine the role of this variant in disease. Therefore, it has been classified as a Variant of Uncertain Significance.

Natera, Inc.
Classification: Uncertain significance for Leber congenital amaurosis. Last evaluated: 2020-09-16. Review status: no assertion criteria provided. Collection method: clinical testing. Allele origin: germline. Not counted in ClinVar's aggregate classification.

NM_025114.4(CEP290):c.2060A>T (p.Glu687Val)

Gene: CEP290 (centrosomal protein 290; minus strand). Cytogenetic location: 12q21.32.
Variant type: single nucleotide variant.
Coding change: c.2060A>T on transcript NM_025114.4 (MANE Select); coding-DNA position 2060, A replaced by T.
Protein change: p.Glu687Val; replaces glutamic acid 687 with valine.
Molecular consequence: missense variant.
Genome position (GRCh38, 1-based): chr12:88,111,851, T>A on the plus strand (A>T on the coding strand, the complement: CEP290 is on the minus strand). VCF-style: chr12-88111851-T-A. GRCh37 (hg19) VCF-style: chr12-88505628-T-A.
Other names: short protein forms E687V.
Identifiers: ClinVar variation 841264 (VCV000841264.11), dbSNP rs932362741, ClinGen allele CA241149481.